The following is an entry in ClinVar:

NM_001046.3(SLC12A2):c.975G>C (p.Met325Ile)

Gene: SLC12A2 (solute carrier family 12 member 2; plus strand). Cytogenetic location: 5q23.3.
Variant type: single nucleotide variant.
Coding change: c.975G>C on transcript NM_001046.3 (MANE Select); coding-DNA position 975, G replaced by C.
Protein change: p.Met325Ile; replaces methionine 325 with isoleucine.
Molecular consequence: missense variant. On other transcripts: non-coding transcript variant (1).
Genome position (GRCh38, 1-based): chr5:128,114,608, G>C. VCF-style: chr5-128114608-G-C. GRCh37 (hg19) VCF-style: chr5-127450300-G-C.
Other names: c.975G>C, p.Met325Ile (NM_001256461.2); short protein forms M325I.
Identifiers: ClinVar variation 1958310 (VCV001958310.5), dbSNP rs749478030, ClinGen allele CA3392964.

ClinVar aggregate classification (germline): Uncertain significance (1 of 4 stars; one submission).

Allele frequency attached by ClinVar (database versions not stated): gnomAD exomes below 0.00001; ExAC 0.00001.
gnomAD v4.1: 3 of 1,611,088 alleles (0.00019%); highest among the groups gnomAD compares: South Asian, 0.0022%; no homozygotes.

Submission:

Labcorp Genetics (formerly Invitae), Labcorp
Classification: Uncertain significance. Last evaluated: 2023-05-15. Review status: criteria provided, single submitter. Criteria: Invitae Variant Classification Sherloc (09022015). Collection method: clinical testing. Allele origin: germline.
Comment: In summary, the available evidence is currently insufficient to determine the role of this variant in disease. Therefore, it has been classified as a Variant of Uncertain Significance. This sequence change replaces methionine, which is neutral and non-polar, with isoleucine, which is neutral and non-polar, at codon 325 of the SLC12A2 protein (p.Met325Ile). This variant is present in population databases (rs749478030, gnomAD 0.003%). This variant has not been reported in the literature in individuals affected with SLC12A2-related conditions. ClinVar contains an entry for this variant (Variation ID: 1958310). Advanced modeling of protein sequence and biophysical properties (such as structural, functional, and spatial information, amino acid conservation, physicochemical variation, residue mobility, and thermodynamic stability) performed at Invitae indicates that this missense variant is not expected to disrupt SLC12A2 protein function.